The following is an entry in ClinVar:

ClinVar aggregate classification (germline): Uncertain significance (1 of 4 stars; one submission).

Conditions:
L-2-hydroxyglutaric aciduria (L2HGA). Identifiers: Orphanet 79314, MedGen C1855995, MONDO:0009370, OMIM 236792, HP:0040144.

gnomAD v4.1: 1 of 1,605,486 alleles (0.000062%); highest among the groups gnomAD compares: Non-Finnish European, 0.000085%; no homozygotes.

Submission:

Labcorp Genetics (formerly Invitae), Labcorp
Classification: Uncertain significance for L-2-hydroxyglutaric aciduria. Last evaluated: 2022-02-22. Review status: criteria provided, single submitter. Criteria: Invitae Variant Classification Sherloc (09022015). Collection method: clinical testing. Allele origin: germline.
Comment: In summary, the available evidence is currently insufficient to determine the role of this variant in disease. Therefore, it has been classified as a Variant of Uncertain Significance. Algorithms developed to predict the effect of missense changes on protein structure and function (SIFT, PolyPhen-2, Align-GVGD) all suggest that this variant is likely to be tolerated. This variant has not been reported in the literature in individuals affected with L2HGDH-related conditions. This variant is not present in population databases (gnomAD no frequency). This sequence change replaces serine, which is neutral and polar, with tyrosine, which is neutral and polar, at codon 23 of the L2HGDH protein (p.Ser23Tyr).

NM_024884.3(L2HGDH):c.68C>A (p.Ser23Tyr)

Genes: DMAC2L (distal membrane arm assembly component 2 like; plus strand), L2HGDH (L-2-hydroxyglutarate dehydrogenase; minus strand). Cytogenetic location: 14q21.3.
Variant type: single nucleotide variant.
Coding change: c.68C>A on transcript NM_024884.3 (MANE Select); coding-DNA position 68, C replaced by A.
Protein change: p.Ser23Tyr; replaces serine 23 with tyrosine.
Molecular consequence: missense variant. On other transcripts: 5 prime UTR variant (6), intron variant (1).
Genome position (GRCh38, 1-based): chr14:50,312,083, G>T on the plus strand (C>A on the coding strand, the complement: L2HGDH is on the minus strand). VCF-style: chr14-50312083-G-T. GRCh37 (hg19) VCF-style: chr14-50778801-G-T.
Other names: c.68C>A, p.Ser23Tyr (NM_001425212.1); c.-187C>A (NM_001425213.1, NM_001425214.1); c.-701C>A (NM_001425215.1); c.-543C>A (NM_001425216.1); c.-636C>A (NM_001425217.1); c.-558C>A (NM_001425218.1); c.-6+229G>T (NM_001382509.1); short protein forms S23Y.
Identifiers: ClinVar variation 2156713 (VCV002156713.3), dbSNP rs1206971329, ClinGen allele CA389648840.